The following is an entry in ClinVar:

NM_006035.4(CDC42BPB):c.3027G>A (p.Pro1009=)

Gene: CDC42BPB (CDC42 binding protein kinase beta; minus strand). Cytogenetic location: 14q32.32.
Variant type: single nucleotide variant.
Coding change: c.3027G>A on transcript NM_006035.4 (MANE Select); coding-DNA position 3027, G replaced by A.
Protein change: p.Pro1009=; no amino-acid change (proline 1009 retained).
Molecular consequence: synonymous variant. On other transcripts: intron variant (1).
Genome position (GRCh38, 1-based): chr14:102,954,237, C>T on the plus strand (G>A on the coding strand, the complement: CDC42BPB is on the minus strand). VCF-style: chr14-102954237-C-T. GRCh37 (hg19) VCF-style: chr14-103420574-C-T.
Other names: c.2988+365G>A (NM_001411054.1).
Identifiers: ClinVar variation 4822111 (VCV004822111.4).

ClinVar aggregate classification (germline): Likely benign (1 of 4 stars; one submission).

gnomAD v4.1: 47 of 1,544,928 alleles (0.003%); highest among the groups gnomAD compares: Admixed American, 0.014%; no homozygotes.

Submission:

CeGaT Center for Human Genetics Tuebingen
Classification: Likely benign. Last evaluated: 2026-03-01. Review status: criteria provided, single submitter. Criteria: CeGaT Center For Human Genetics Tuebingen Variant Classification Criteria Version 2. Collection method: clinical testing. Allele origin: germline. Affected: yes. Observed: 1 variant allele.
Comment: CDC42BPB: BP4, BP7